The following is an entry in ClinVar:

NM_005359.6(SMAD4):c.1237_1245del (p.Tyr413_Asp415del)

Gene: SMAD4 (SMAD family member 4; plus strand). Cytogenetic location: 18q21.2.
Variant type: Deletion.
Coding change: c.1237_1245del on transcript NM_005359.6 (MANE Select); coding-DNA positions 1237 to 1245, 9 bases deleted (TACTTAGAC; older notation c.1237_1245delTACTTAGAC).
Protein change: p.Tyr413_Asp415del.
Molecular consequence: non-coding transcript variant (on NR_176265.1).
Genome position (GRCh38, 1-based): chr18:51,067,116-51,067,124, TACTTAGAC deleted; deleting any 9 consecutive bases within chr18:51,067,114-51,067,124 gives the same sequence; the c. name uses the placement nearest the transcript's 3' end. VCF-style (leftmost placement, unchanged base first): chr18-51067113-TACTACTTAG-T. GRCh37 (hg19) VCF-style: chr18-48593483-TACTACTTAG-T.
Other names: c.1237_1245del, p.Tyr413_Asp415del (NM_001407041.1, NM_001407042.1).
Identifiers: ClinVar variation 3654617 (VCV003654617.2).

ClinVar aggregate classification (germline): Uncertain significance (1 of 4 stars; one submission).

Conditions:
Juvenile polyposis syndrome (JPS). Identifiers: Orphanet 2929, MedGen C0345893, MONDO:0017380, OMIM 174900.

Submission:

Labcorp Genetics (formerly Invitae), Labcorp
Classification: Uncertain significance for Juvenile polyposis syndrome. Last evaluated: 2024-06-13. Review status: criteria provided, single submitter. Criteria: Invitae Variant Classification Sherloc (09022015). Collection method: clinical testing. Allele origin: germline.
Comment: This variant, c.1237_1245del, results in the deletion of 3 amino acid(s) of the SMAD4 protein (p.Tyr413_Asp415del), but otherwise preserves the integrity of the reading frame. This variant is not present in population databases (gnomAD no frequency). This variant has not been reported in the literature in individuals affected with SMAD4-related conditions. Experimental studies and prediction algorithms are not available or were not evaluated, and the functional significance of this variant is currently unknown. In summary, the available evidence is currently insufficient to determine the role of this variant in disease. Therefore, it has been classified as a Variant of Uncertain Significance.